The following is an entry in ClinVar:

NM_000038.6(APC):c.7360A>G (p.Arg2454Gly)

Gene: APC (APC regulator of Wnt signaling pathway; plus strand). Cytogenetic location: 5q22.2.
Variant type: single nucleotide variant.
Coding change: c.7360A>G on transcript NM_000038.6 (MANE Select); coding-DNA position 7360, A replaced by G.
Protein change: p.Arg2454Gly; replaces arginine 2454 with glycine.
Molecular consequence: missense variant.
Genome position (GRCh38, 1-based): chr5:112,842,954, A>G. VCF-style: chr5-112842954-A-G. GRCh37 (hg19) VCF-style: chr5-112178651-A-G.
Other names: c.7057A>G, p.Arg2353Gly (NM_001407459.1, NM_001407460.1, NM_001354903.2 and 1 more transcripts); c.6973A>G, p.Arg2325Gly (NM_001407467.1, NM_001407469.1); c.6511A>G, p.Arg2171Gly (NM_001407470.1, NM_001354906.2); c.6208A>G, p.Arg2070Gly (NM_001407471.1, NM_001407472.1); c.7360A>G, p.Arg2454Gly (NM_001127510.3, NM_001354895.2, NM_001407450.1); c.7306A>G, p.Arg2436Gly (NM_001127511.3); c.7414A>G, p.Arg2472Gly (NM_001354896.2, NM_001407447.1, NM_001407448.1 and 1 more transcripts); c.7390A>G, p.Arg2464Gly (NM_001354897.2); and 11 more; short protein forms R2070G, R2171G, R2294G, R2325G, R2328G, R2353G, R2363G, R2371G.
Identifiers: ClinVar variation 1715077 (VCV001715077.6), dbSNP rs2149985312, ClinGen allele CA16037359.
Genomic context (GRCh38, chr5:112,842,954, plus strand): 5'-AGACCTGTATTAGTACGCCAGTCAACTTTCATCAAAGAAGCTCCAAGCCCAACCTTAAGA[A>G]GAAAATTGGAGGAATCTGCTTCATTTGAATCTCTTTCTCCATCATCTAGACCAGCTTCTC-3'
Protein context (NP_000029.2, residues 2444-2464): IKEAPSPTLR[Arg2454Gly]KLEESASFES

ClinVar aggregate classification (germline): Uncertain significance (1 of 4 stars; one submission).

Conditions:
Familial adenomatous polyposis 1 (FAP1). Also called: POLYPOSIS, ADENOMATOUS INTESTINAL; FAMILIAL ADENOMATOUS POLYPOSIS 1, ATTENUATED. Identifiers: MedGen C2713442, MONDO:0021056, OMIM 175100. Disease mechanism: loss of function.

Submission:

Labcorp Genetics (formerly Invitae), Labcorp
Classification: Uncertain significance for Familial adenomatous polyposis 1. Last evaluated: 2022-08-05. Review status: criteria provided, single submitter. Criteria: Invitae Variant Classification Sherloc (09022015). Collection method: clinical testing. Allele origin: germline.
Comment: This variant has not been reported in the literature in individuals affected with APC-related conditions. This sequence change replaces arginine, which is basic and polar, with glycine, which is neutral and non-polar, at codon 2454 of the APC protein (p.Arg2454Gly). This variant is not present in population databases (gnomAD no frequency). Algorithms developed to predict the effect of missense changes on protein structure and function (SIFT, PolyPhen-2, Align-GVGD) all suggest that this variant is likely to be disruptive. In summary, the available evidence is currently insufficient to determine the role of this variant in disease. Therefore, it has been classified as a Variant of Uncertain Significance.